The following is an entry in ClinVar:

NM_003072.5(SMARCA4):c.2355G>A (p.Lys785=)

Gene: SMARCA4 (SWI/SNF related BAF chromatin remodeling complex subunit ATPase 4; plus strand). Cytogenetic location: 19p13.2.
Variant type: single nucleotide variant.
Coding change: c.2355G>A on transcript NM_003072.5 (MANE Select); coding-DNA position 2355, G replaced by A.
Protein change: p.Lys785=; no amino-acid change (lysine 785 retained).
Molecular consequence: synonymous variant. On other transcripts: non-coding transcript variant (1).
Genome position (GRCh38, 1-based): chr19:11,013,029, G>A. VCF-style: chr19-11013029-G-A. GRCh37 (hg19) VCF-style: chr19-11123705-G-A.
Other names: p.Lys785=; c.2355G>A, p.Lys785= (NM_001128844.3, NM_001128845.2, NM_001128846.2 and 5 more transcripts); c.2355G>A (NM_001128849.2).
Identifiers: ClinVar variation 415133 (VCV000415133.21), dbSNP rs547236594, ClinGen allele CA9204088.

ClinVar aggregate classification (germline): Benign/Likely benign. Review status: criteria provided, multiple submitters, no conflicts (2 of 4 stars). 6 submissions from 6 submitters: Benign (2); Likely benign (3). 1 of the submissions does not count toward it. Last evaluated 2026-07-13.

Conditions:
SMARCA4-related disorder. Also called: SMARCA4-related condition.
Hereditary cancer-predisposing syndrome. Also called: Hereditary Cancer Syndrome; Hereditary neoplastic syndrome; Neoplastic Syndromes, Hereditary; Tumor predisposition. Identifiers: Orphanet 140162, MedGen C0027672, MeSH D009386, MONDO:0015356.
Rhabdoid tumor predisposition syndrome 2 (RTPS2). Identifiers: Orphanet 231108, Orphanet 69077, MedGen C2750074, MONDO:0013224, OMIM 613325.

Allele frequency attached by ClinVar (database versions not stated): TOPMed 0.00001; 1000 Genomes Project 0.00020; gnomAD exomes 0.00006 and 0.00001; 1000 Genomes Project 30x 0.00016; gnomAD 0.00002 and 0.00001; ExAC 0.00004.
gnomAD v4.1: 24 of 1,614,040 alleles (0.0015%); highest among the groups gnomAD compares: East Asian, 0.031%; no homozygotes.

Submissions (6):

Myriad Genetics, Inc.
Classification: Benign for Rhabdoid tumor predisposition syndrome 2. Last evaluated: 2026-07-13. Review status: criteria provided, single submitter. Criteria: Myriad Autosomal Dominant, Autosomal Recessive and X-Linked Classification Criteria (2023). Collection method: clinical testing. Allele origin: unknown.
Comment: This variant is considered benign. This variant is a silent/synonymous amino acid change and it is not expected to impact splicing.

Labcorp Genetics (formerly Invitae), Labcorp
Classification: Likely benign for Rhabdoid tumor predisposition syndrome 2. Last evaluated: 2026-01-11. Review status: criteria provided, single submitter. Criteria: Invitae Variant Classification Sherloc (09022015). Collection method: clinical testing. Allele origin: germline.

Mayo Clinic Laboratories, Mayo Clinic
Classification: Likely benign. Last evaluated: 2024-12-11. Review status: criteria provided, single submitter. Criteria: ACMG Guidelines, 2015. Collection method: clinical testing. Allele origin: germline. Observed: 1 variant allele.
Comment: BS1, BP4, BP7

Sema4
Classification: Benign for Hereditary cancer-predisposing syndrome. Last evaluated: 2021-07-28. Review status: criteria provided, single submitter. Criteria: Sema4 Curation Guidelines. Collection method: curation. Allele origin: germline.

Ambry Genetics
Classification: Likely benign for Hereditary cancer-predisposing syndrome. Last evaluated: 2016-02-29. Review status: criteria provided, single submitter. Criteria: Ambry Variant Classification Scheme 2023. Collection method: clinical testing. Allele origin: germline.

PreventionGenetics, part of Exact Sciences
Classification: Likely benign for SMARCA4-related condition. Last evaluated: 2021-02-11. Review status: no assertion criteria provided. Collection method: clinical testing. Allele origin: germline. Not counted in ClinVar's aggregate classification.
Comment: This variant is classified as likely benign based on ACMG/AMP sequence variant interpretation guidelines (Richards et al. 2015 PMID: 25741868, with internal and published modifications).